The following is an entry in ClinVar:

ClinVar aggregate classification (germline): Uncertain significance. Review status: criteria provided, multiple submitters, no conflicts (2 of 4 stars). 2 submissions from 2 submitters: Uncertain significance (2). Last evaluated 2022-10-06.

Conditions:
Nephronophthisis. Also called: Juvenile Nephronophthisis. Identifiers: Orphanet 655, MedGen C0687120, MONDO:0019005, HP:0000090.

Allele frequency attached by ClinVar (database versions not stated): gnomAD 0.00001; gnomAD exomes 0.00001; TOPMed 0.00001; ExAC 0.00003.
gnomAD v4.1: 11 of 1,603,478 alleles (0.00069%); highest among the groups gnomAD compares: East Asian, 0.022%; no homozygotes.

Submissions (2):

Labcorp Genetics (formerly Invitae), Labcorp
Classification: Uncertain significance for Nephronophthisis. Last evaluated: 2022-10-06. Review status: criteria provided, single submitter. Criteria: Invitae Variant Classification Sherloc (09022015). Collection method: clinical testing. Allele origin: germline.
Comment: This sequence change replaces glutamic acid, which is acidic and polar, with glycine, which is neutral and non-polar, at codon 137 of the IQCB1 protein (p.Glu137Gly). This variant is present in population databases (rs764264105, gnomAD 0.05%). This variant has not been reported in the literature in individuals affected with IQCB1-related conditions. Advanced modeling of protein sequence and biophysical properties (such as structural, functional, and spatial information, amino acid conservation, physicochemical variation, residue mobility, and thermodynamic stability) performed at Invitae indicates that this missense variant is not expected to disrupt IQCB1 protein function. Algorithms developed to predict the effect of sequence changes on RNA splicing suggest that this variant may create or strengthen a splice site. In summary, the available evidence is currently insufficient to determine the role of this variant in disease. Therefore, it has been classified as a Variant of Uncertain Significance.

Blueprint Genetics
Classification: Uncertain significance. Last evaluated: 2018-12-18. Review status: criteria provided, single submitter. Criteria: ACMG Guidelines, 2015. Collection method: clinical testing. Allele origin: germline.

NM_001023570.4(IQCB1):c.410A>G (p.Glu137Gly)

Gene: IQCB1 (IQ motif containing B1; minus strand). Cytogenetic location: 3q13.33.
Variant type: single nucleotide variant.
Coding change: c.410A>G on transcript NM_001023570.4 (MANE Select); coding-DNA position 410, A replaced by G.
Protein change: p.Glu137Gly; replaces glutamic acid 137 with glycine.
Molecular consequence: missense variant. On other transcripts: non-coding transcript variant (1).
Genome position (GRCh38, 1-based): chr3:121,808,993, T>C on the plus strand (A>G on the coding strand, the complement: IQCB1 is on the minus strand). VCF-style: chr3-121808993-T-C. GRCh37 (hg19) VCF-style: chr3-121527840-T-C.
Other names: c.410A>G, p.Glu137Gly (NM_001023571.4, NM_001319107.2); short protein forms E137G.
Identifiers: ClinVar variation 1987005 (VCV001987005.2), dbSNP rs764264105, ClinGen allele CA2567427.